The following is an entry in ClinVar:

NM_000071.3(CBS):c.502G>A (p.Val168Met)

Gene: CBS (cystathionine beta-synthase; minus strand). Cytogenetic location: 21q22.3.
Variant type: single nucleotide variant.
Coding change: c.502G>A on transcript NM_000071.3 (MANE Select); coding-DNA position 502, G replaced by A.
Protein change: p.Val168Met; replaces valine 168 with methionine.
Molecular consequence: missense variant.
Genome position (GRCh38, 1-based): chr21:43,065,645, C>T on the plus strand (G>A on the coding strand, the complement: CBS is on the minus strand). VCF-style: chr21-43065645-C-T. GRCh37 (hg19) VCF-style: chr21-44485755-C-T.
Other names: p.V168M:GTG>ATG; c.502G>A, p.Val168Met (NM_001178008.3, NM_001178009.3, NM_001320298.2); c.187G>A, p.Val63Met (NM_001321072.1); c.502G>A (NM_001178008.2); short protein forms V168M, V63M.
Identifiers: ClinVar variation 127 (VCV000000127.32), dbSNP rs121964970, ClinGen allele CA113895.

ClinVar aggregate classification (germline): Conflicting classifications of pathogenicity. Review status: criteria provided, conflicting classifications (1 of 4 stars). 11 submissions from 11 submitters: Pathogenic (2); Likely pathogenic (4); Uncertain significance (3). 2 of the submissions do not count toward it. Last evaluated 2025-11-21.

Conditions:
Homocystinuria. Identifiers: MedGen C0019880, MONDO:0004737, HP:0002156.
Familial thoracic aortic aneurysm and aortic dissection (TAAD). Also called: Thoracic aortic aneurysms and dissections. Identifiers: Orphanet 91387, MedGen C4707243, MONDO:0019625.
Classic homocystinuria. Also called: Homocystinuria due to Cystathionine Beta-Synthase Deficiency; Homocystinuria due to CBS deficiency; Cystathionine beta-synthase deficiency; CBS deficiency; HOMOCYSTINURIA WITH OR WITHOUT RESPONSE TO PYRIDOXINE. Identifiers: Orphanet 394, MedGen C0751202, MONDO:0009352, OMIM 236200.
Homocystinuria, pyridoxine-responsive. Identifiers: MedGen C3502110.
HYPERHOMOCYSTEINEMIA, THROMBOTIC, CBS-RELATED. Identifiers: MedGen C3150344, OMIM 236200.

Allele frequency attached by ClinVar (database versions not stated): ExAC 0.00003; gnomAD exomes 0.00004.
gnomAD v4.1: 12 of 299,628 alleles (0.004%); highest among the groups gnomAD compares: South Asian, 0.02%; 3 homozygotes.

Submissions (11):

Labcorp Genetics (formerly Invitae), Labcorp
Classification: Pathogenic for HYPERHOMOCYSTEINEMIA, THROMBOTIC, CBS-RELATED. Last evaluated: 2025-11-21. Review status: criteria provided, single submitter. Criteria: Invitae Variant Classification Sherloc (09022015). Collection method: clinical testing. Allele origin: germline.
Comment: This sequence change replaces valine, which is neutral and non-polar, with methionine, which is neutral and non-polar, at codon 168 of the CBS protein (p.Val168Met). The frequency data for this variant in the population databases is considered unreliable, as metrics indicate poor data quality at this position in the gnomAD database. This missense change has been observed in individual(s) with clinical features of CBS-related conditions and/or homocystinuria due to cystathionine beta-synthase deficiency (PMID: 8528202, 33985475; internal data). In at least one individual the data is consistent with being in trans (on the opposite chromosome) from a pathogenic variant. ClinVar contains an entry for this variant (Variation ID: 127). Invitae Evidence Modeling of protein sequence and biophysical properties (such as structural, functional, and spatial information, amino acid conservation, physicochemical variation, residue mobility, and thermodynamic stability) indicates that this missense variant is expected to disrupt CBS protein function with a positive predictive value of 95%. Experimental studies have shown that this missense change affects CBS function (PMID: 8528202, 10531322, 20066033, 22267502). For these reasons, this variant has been classified as Pathogenic.

Genomic Medicine Center of Excellence, King Faisal Specialist Hospital and Research Centre
Classification: Likely pathogenic for Classic homocystinuria. Last evaluated: 2025-09-10. Review status: criteria provided, single submitter. Criteria: ACMG Guidelines, 2015. Collection method: clinical testing. Allele origin: germline.

GeneDx
Classification: Pathogenic. Last evaluated: 2025-07-23. Review status: criteria provided, single submitter. Criteria: GeneDx Variant Classification Process June 2021. Collection method: clinical testing. Allele origin: germline. Affected: yes.
Comment: Published functional studies in yeast have demonstrated that V168M results in a non-functional allele with impaired CBS function (PMID: 22267502, 9590298); Not observed at a significant frequency in large population cohorts (gnomAD); In silico analysis supports that this missense variant has a deleterious effect on protein structure/function; This variant is associated with the following publications: (PMID: 10531322, 31301157, 8528202, 11230183, 20066033, 22267502, 9590298, 10338090, 33985475, 14635102, 37581074, 29650765)

Women's Health and Genetics/Laboratory Corporation of America, LabCorp
Classification: Likely pathogenic for Homocystinuria. Last evaluated: 2024-03-09. Review status: criteria provided, single submitter. Criteria: LabCorp Variant Classification Summary - May 2015. Collection method: clinical testing. Allele origin: germline.
Comment: Variant summary: CBS c.502G>A (p.Val168Met) results in a conservative amino acid change located in the Pyridoxal-phosphate dependent enzyme domain (IPR001926) of the encoded protein sequence. Four of five in-silico tools predict a damaging effect of the variant on protein function. The variant allele was found at a frequency of 1.1e-05 in 186900 control chromosomes. c.502G>A has been reported in the literature as a non-informative genotype in CBS cell lines, in presumed compound heterozygosity in an individual with Spontaneous Coronary Artery Dissection and as a confirmed compound heterozygous genotype in an individual presenting with Recurrent dislocation of binocular crystal lenses and cystathionine beta synthase deficiency (example, Kruger_1995, Kaadan_2018, Hua_2021). At least two publications report experimental evidence evaluating an impact on protein function (example, Kabil_1999, Singh_2010). The most pronounced variant effect results in <10% of normal cystathionine beta synthase activity in vitro. The following publications have been ascertained in the context of this evaluation (PMID: 33985475, 29650765, 10531322, 8528202, 22267502, 20066033). ClinVar contains an entry for this variant (Variation ID: 127). Based on the evidence outlined above, the variant was classified as likely pathogenic.

Baylor Genetics
Classification: Likely pathogenic for Classic homocystinuria. Last evaluated: 2024-02-08. Review status: criteria provided, single submitter. Criteria: ACMG Guidelines, 2015. Collection method: clinical testing. Allele origin: unknown.

Ambry Genetics
Classification: Uncertain significance for Familial thoracic aortic aneurysm and aortic dissection. Last evaluated: 2019-08-22. Review status: criteria provided, single submitter. Criteria: Ambry Variant Classification Scheme 2023. Collection method: clinical testing. Allele origin: germline.
Comment: The p.V168M pathogenic mutation (also known as c.502G>A), located in coding exon 4 of the CBS gene, results from a G to A substitution at nucleotide position 502. The valine at codon 168 is replaced by methionine, an amino acid with highly similar properties. This variant was first reported as detected in cell lines from an individual with inferred clinical phenotype of homozygous CBS enzyme deficiency; however, clinical details were not provided, this variant was detected in the heterozygous state, and the potential of sample and clinical information misclassification was suggested (Kruger WD et al. Hum Mol Genet. 1995;4:1155-61). This variant was also detected in an individual from a coronary artery dissection cohort who had a second CBS variant (phase unknown), no typical disease features, and normal serum homocysteine levels (Kaadan MI et al. Circ Genom Precis Med. 2018;11:e001933). Studies have indicated that this variant results in reduced protein and enzyme activity in yeast assays (Kabil O et al. J Biol Chem. 1999;274:31256-60; Shan X et al. Hum Mol Genet. 2001;10:635-43; Singh LR et al. PLoS Genet. 2010;6:e1000807; Mayfield JA et al. Genetics. 2012;190:1309-23). This amino acid position is highly conserved in available vertebrate species. In addition, this alteration is predicted to be deleterious by in silico analysis. Since supporting evidence is limited at this time, the clinical significance of this alteration remains unclear.

Eurofins Ntd Llc (ga)
Classification: Uncertain significance. Last evaluated: 2017-08-29. Review status: criteria provided, single submitter. Criteria: EGL Classification Definitions 2015. Collection method: clinical testing. Allele origin: germline. Observed: 1 variant allele, 1 heterozygote.

Illumina Laboratory Services, Illumina
Classification: Uncertain significance for Classic homocystinuria. Last evaluated: 2017-04-27. Review status: criteria provided, single submitter. Criteria: ICSL Variant Classification Criteria 13 December 2019. Collection method: clinical testing. Allele origin: germline.
Comment: This variant was observed as part of a predisposition screen in an ostensibly healthy population. A literature search was performed for the gene, cDNA change, and amino acid change (where applicable). Publications were found based on this search. However, the evidence from the literature, in combination with allele frequency data from public databases where available, was not sufficient to rule this variant in or out of causing disease. Therefore, this variant is classified as a variant of unknown significance.

Neuberg Centre For Genomic Medicine, NCGM
Classification: Likely pathogenic for Classic homocystinuria. Review status: criteria provided, single submitter. Criteria: ACMG Guidelines, 2015. Collection method: clinical testing. Allele origin: germline. Inheritance: Autosomal recessive inheritance. Affected: yes.
Comment: The missense c.502G>A (p.Val168Met) variant in CBS gene has been reported in individuals with Homocystinuria cystathionine beta synthase (CBS) deficiency (Hua N et al. 2021; Kaadan MI et al. 2018). Experimental studies have shown that this missense change affects CBS function (Mayfield JA et al. 2012). The p.Val168Met variant has allele frequency 0.001% in gnomAD Exomes and is novel (not in any individuals) in 1000 Genomes. This variant has been reported to the ClinVar database as Uncertain significance / Pathogenic / Likely Pathogenic (multiple submiters). The amino acid change p.Val168Met in CBS is predicted as conserved by GERP++ and PhyloP across 100 vertebrates. The amino acid Val at position 168 is changed to a Met changing protein sequence and it might alter its composition and physico-chemical properties. Functional studies are required to prove the pathogenicity for the variant. For these reasons, this variant has been classified as Likely Pathogenic.

Natera, Inc.
Classification: Uncertain significance for Homocystinuria due to cystathionine beta-synthase deficiency. Last evaluated: 2020-03-05. Review status: no assertion criteria provided. Collection method: clinical testing. Allele origin: germline. Not counted in ClinVar's aggregate classification.

OMIM
Classification: Pathogenic for HOMOCYSTINURIA, PYRIDOXINE-RESPONSIVE. Last evaluated: 2003-12-01. Review status: no assertion criteria provided. Collection method: literature only. Allele origin: germline. Not counted in ClinVar's aggregate classification.

Literature cited by the submitters: PubMed 8528202 (cited by 5 submitters); PubMed 33985475 (cited by Labcorp Genetics (formerly Invitae), Labcorp and Women's Health and Genetics/Laboratory Corporation of America, LabCorp); PubMed 10531322 (cited by 4 submitters); PubMed 20066033 (cited by 4 submitters); PubMed 22267502 (cited by 5 submitters); PubMed 29650765 (cited by Women's Health and Genetics/Laboratory Corporation of America, LabCorp and Ambry Genetics); PubMed 11230183 (cited by 3 submitters); PubMed 15087459 (cited by Illumina Laboratory Services, Illumina); PubMed 14635102 (cited by OMIM).